The following is an entry in ClinVar:

ClinVar aggregate classification (germline): Likely pathogenic (1 of 4 stars; one submission).

Submission:

CeGaT Center for Human Genetics Tuebingen
Classification: Likely pathogenic. Last evaluated: 2026-07-01. Review status: criteria provided, single submitter. Criteria: CeGaT Center For Human Genetics Tuebingen Variant Classification Criteria Version 2. Collection method: clinical testing. Allele origin: germline. Affected: yes. Observed: 1 variant allele.
Comment: PUM1: PVS1:Strong, PM2

NM_001020658.2(PUM1):c.214dup (p.Ala72fs)

Gene: PUM1 (pumilio RNA binding family member 1; minus strand). Cytogenetic location: 1p35.2.
Variant type: Duplication.
Coding change: c.214dup on transcript NM_001020658.2 (MANE Select); coding-DNA position 214, one base duplicated (G; older notation c.214dupG).
Protein change: p.Ala72fs; shifts the reading frame from alanine 72.
Molecular consequence: frameshift variant.
Genome position (GRCh38, 1-based): chr1:31,059,353, C duplicated on the plus strand (G on the coding strand, the reverse complement: PUM1 is on the minus strand). VCF-style (leftmost placement, unchanged base first): chr1-31059352-G-GC. GRCh37 (hg19) VCF-style: chr1-31532199-G-GC.
Other names: c.214dup, p.Ala72fs (NM_014676.3); short protein forms A72fs.
Identifiers: ClinVar variation 5040254 (VCV005040254.1).